The following is an entry in ClinVar:

ClinVar aggregate classification (germline): Benign/Likely benign. Review status: criteria provided, multiple submitters, no conflicts (2 of 4 stars). 3 submissions from 3 submitters: Benign (1); Likely benign (1). 1 of the submissions does not count toward it. Last evaluated 2026-01-26.

Conditions:
FN1-related disorder. Also called: FN1-related condition.

Allele frequency attached by ClinVar (database versions not stated): gnomAD 0.00024; TOPMed 0.00028; ESP Exome Variant Server 0.00046.
gnomAD v4.1: 304 of 1,614,126 alleles (0.019%); highest among the groups gnomAD compares: Middle Eastern, 0.049%; 1 homozygote.

Submissions (3):

Labcorp Genetics (formerly Invitae), Labcorp
Classification: Benign. Last evaluated: 2026-01-26. Review status: criteria provided, single submitter. Criteria: Invitae Variant Classification Sherloc (09022015). Collection method: clinical testing. Allele origin: germline.

Blueprint Genetics
Classification: Likely benign. Last evaluated: 2024-05-14. Review status: criteria provided, single submitter. Criteria: ACMG Guidelines, 2015. Collection method: clinical testing. Allele origin: germline.

PreventionGenetics, part of Exact Sciences
Classification: Likely benign for FN1-related condition. Last evaluated: 2019-06-12. Review status: no assertion criteria provided. Collection method: clinical testing. Allele origin: germline. Not counted in ClinVar's aggregate classification.
Comment: This variant is classified as likely benign based on ACMG/AMP sequence variant interpretation guidelines (Richards et al. 2015 PMID: 25741868, with internal and published modifications).

NM_212482.4(FN1):c.807G>A (p.Lys269=)

Gene: FN1 (fibronectin 1; minus strand). Cytogenetic location: 2q35.
Variant type: single nucleotide variant.
Coding change: c.807G>A on transcript NM_212482.4 (MANE Select); coding-DNA position 807, G replaced by A.
Protein change: p.Lys269=; no amino-acid change (lysine 269 retained).
Molecular consequence: synonymous variant.
Genome position (GRCh38, 1-based): chr2:215,428,217, C>T on the plus strand (G>A on the coding strand, the complement: FN1 is on the minus strand). VCF-style: chr2-215428217-C-T. GRCh37 (hg19) VCF-style: chr2-216292940-C-T.
Other names: c.807G>A (NM_212482.2); c.807G>A, p.Lys269= (NM_001306129.2, NM_001306130.2, NM_001306131.2 and 14 more transcripts).
Identifiers: ClinVar variation 1164619 (VCV001164619.12), dbSNP rs149709418, ClinGen allele CA2095469.